The following is an entry in ClinVar:

ClinVar aggregate classification (germline): Likely benign. Review status: criteria provided, multiple submitters, no conflicts (2 of 4 stars). 2 submissions from 2 submitters: Likely benign (2). Last evaluated 2023-06-17.

gnomAD v4.1: 13 of 1,614,218 alleles (0.00081%); highest among the groups gnomAD compares: South Asian, 0.0044%; no homozygotes.

Submissions (2):

Labcorp Genetics (formerly Invitae), Labcorp
Classification: Likely benign. Last evaluated: 2023-06-17. Review status: criteria provided, single submitter. Criteria: Invitae Variant Classification Sherloc (09022015). Collection method: clinical testing. Allele origin: germline.

CeGaT Center for Human Genetics Tuebingen
Classification: Likely benign. Last evaluated: 2023-01-01. Review status: criteria provided, single submitter. Criteria: CeGaT Center For Human Genetics Tuebingen Variant Classification Criteria Version 2. Collection method: clinical testing. Allele origin: germline. Affected: yes. Observed: 1 variant allele.
Comment: SLC38A8: BP4, BP7

NM_001080442.3(SLC38A8):c.576C>T (p.Thr192=)

Gene: SLC38A8 (solute carrier family 38 member 8; minus strand). Cytogenetic location: 16q23.3.
Variant type: single nucleotide variant.
Coding change: c.576C>T on transcript NM_001080442.3 (MANE Select); coding-DNA position 576, C replaced by T.
Protein change: p.Thr192=; no amino-acid change (threonine 192 retained).
Molecular consequence: synonymous variant.
Genome position (GRCh38, 1-based): chr16:84,031,923, G>A on the plus strand (C>T on the coding strand, the complement: SLC38A8 is on the minus strand). VCF-style: chr16-84031923-G-A. GRCh37 (hg19) VCF-style: chr16-84065528-G-A.
Identifiers: ClinVar variation 2646905 (VCV002646905.27), dbSNP rs750021897, ClinGen allele CA8200184.